The following is an entry in ClinVar:

ClinVar aggregate classification (germline): Benign. Review status: criteria provided, multiple submitters, no conflicts (2 of 4 stars). 5 submissions from 5 submitters: Benign (5). Last evaluated 2026-02-04.

Allele frequency attached by ClinVar (database versions not stated): 1000 Genomes Project 0.00419; 1000 Genomes Project 30x 0.00468; gnomAD exomes 0.01203 and 0.02024; gnomAD 0.01213 and 0.01242; TOPMed 0.01220; ExAC 0.01221; ESP Exome Variant Server 0.01661.
gnomAD v4.1: 31,030 of 1,607,366 alleles (1.9%); highest among the groups gnomAD compares: Non-Finnish European, 2.4%; 421 homozygotes.

Submissions (5):

Labcorp Genetics (formerly Invitae), Labcorp
Classification: Benign. Last evaluated: 2026-02-04. Review status: criteria provided, single submitter. Criteria: Invitae Variant Classification Sherloc (09022015). Collection method: clinical testing. Allele origin: germline.

Molecular Diagnostic Laboratory for Inherited Cardiovascular Disease, Montreal Heart Institute
Classification: Benign. Last evaluated: 2025-04-09. Review status: criteria provided, single submitter. Criteria: ACMG Guidelines, 2015. Collection method: clinical testing. Allele origin: germline. Affected: no.

Mayo Clinic Laboratories, Mayo Clinic
Classification: Benign. Last evaluated: 2023-01-13. Review status: criteria provided, single submitter. Criteria: ACMG Guidelines, 2015. Collection method: clinical testing. Allele origin: germline. Observed: 34 variant alleles.
Comment: BS1, BS2, BP4, BP7

GeneDx
Classification: Benign. Last evaluated: 2021-01-07. Review status: criteria provided, single submitter. Criteria: GeneDx Variant Classification Process June 2021. Collection method: clinical testing. Allele origin: germline. Affected: yes.

Breakthrough Genomics
Classification: Benign. Review status: criteria provided, single submitter. Criteria: ACMG Guidelines, 2015. Collection method: not provided. Allele origin: germline. Inheritance: Autosomal recessive inheritance. Affected: yes.

NM_176869.3(PPA2):c.477G>A (p.Thr159=)

Gene: PPA2 (inorganic pyrophosphatase 2; minus strand). Cytogenetic location: 4q24.
Variant type: single nucleotide variant.
Coding change: c.477G>A on transcript NM_176869.3 (MANE Select); coding-DNA position 477, G replaced by A.
Protein change: p.Thr159=; no amino-acid change (threonine 159 retained).
Molecular consequence: synonymous variant. On other transcripts: intron variant (3).
Genome position (GRCh38, 1-based): chr4:105,438,001, C>T on the plus strand (G>A on the coding strand, the complement: PPA2 is on the minus strand). VCF-style: chr4-105438001-C-T. GRCh37 (hg19) VCF-style: chr4-106359158-C-T.
Other names: p.Thr159=; c.157+35893G>A (NM_176867.3); c.223-13679G>A (NM_176866.2); c.441+8382G>A (NM_006903.4).
Identifiers: ClinVar variation 1272569 (VCV001272569.12), dbSNP rs139651138, ClinGen allele CA3032518.